The following is an entry in ClinVar:

NM_014000.3(VCL):c.1928C>T (p.Thr643Met)

Gene: VCL (vinculin; plus strand). Cytogenetic location: 10q22.2.
Variant type: single nucleotide variant.
Coding change: c.1928C>T on transcript NM_014000.3 (MANE Select); coding-DNA position 1928, C replaced by T.
Protein change: p.Thr643Met; replaces threonine 643 with methionine.
Molecular consequence: missense variant.
Genome position (GRCh38, 1-based): chr10:74,101,003, C>T. VCF-style: chr10-74101003-C-T. GRCh37 (hg19) VCF-style: chr10-75860761-C-T.
Other names: c.1928C>T, p.Thr643Met (NM_003373.4); short protein forms T643M.
Identifiers: ClinVar variation 487627 (VCV000487627.22), dbSNP rs150643310, ClinGen allele CA5563121.

ClinVar aggregate classification (germline): Uncertain significance. Review status: criteria provided, multiple submitters, no conflicts (2 of 4 stars). 6 submissions from 6 submitters: Uncertain significance (5). 1 of the submissions does not count toward it. Last evaluated 2025-12-15.

Conditions:
VCL-related disorder. Also called: VCL-related condition.
Cardiovascular phenotype. Identifiers: MedGen CN230736.
Hypertrophic cardiomyopathy 15. Identifiers: MedGen C2750459, MONDO:0013200, OMIM 613255.
Dilated cardiomyopathy 1W (CMD1W). Identifiers: Orphanet 154, MedGen C1969639, MONDO:0012667, OMIM 611407.
Wolff-Parkinson-White pattern. Also called: WPW SYNDROME; Auriculoventricular accessory pathway syndrome; False bundle branch block syndrome; Anomalous ventricular excitation syndrome. Identifiers: MedGen C0043202, MONDO:0008685, OMIM 194200, HP:0001716.

Allele frequency attached by ClinVar (database versions not stated): gnomAD 0.00004; gnomAD exomes 0.00004 and 0.00005; TOPMed 0.00004; ExAC 0.00005; ESP Exome Variant Server 0.00008.
gnomAD v4.1: 77 of 1,613,910 alleles (0.0048%); highest among the groups gnomAD compares: Non-Finnish European, 0.0056%; no homozygotes.

Submissions (6):

Ambry Genetics
Classification: Uncertain significance for Cardiovascular phenotype. Last evaluated: 2025-12-15. Review status: criteria provided, single submitter. Criteria: Ambry Variant Classification Scheme 2023. Collection method: clinical testing. Allele origin: germline.

Labcorp Genetics (formerly Invitae), Labcorp
Classification: Uncertain significance for Dilated cardiomyopathy 1W. Last evaluated: 2025-11-18. Review status: criteria provided, single submitter. Criteria: Invitae Variant Classification Sherloc (09022015). Collection method: clinical testing. Allele origin: germline.
Comment: This sequence change replaces threonine, which is neutral and polar, with methionine, which is neutral and non-polar, at codon 643 of the VCL protein (p.Thr643Met). This variant is present in population databases (rs150643310, gnomAD 0.008%). This variant has not been reported in the literature in individuals affected with VCL-related conditions. ClinVar contains an entry for this variant (Variation ID: 487627). An algorithm developed to predict the effect of missense changes on protein structure and function (PolyPhen-2) suggests that this variant is likely to be disruptive. In summary, the available evidence is currently insufficient to determine the role of this variant in disease. Therefore, it has been classified as a Variant of Uncertain Significance.

PreventionGenetics, part of Exact Sciences
Classification: Uncertain significance for VCL-related condition. Last evaluated: 2025-08-11. Review status: criteria provided, single submitter. Criteria: ACMG Guidelines, 2015. Collection method: clinical testing. Allele origin: germline.
Comment: The VCL c.1928C>T variant is predicted to result in the amino acid substitution p.Thr643Met. To our knowledge, this variant has not been reported in the literature. This variant is reported in 0.0077% of alleles in individuals of European (Non-Finnish) descent in gnomAD. At this time, the clinical significance of this variant is uncertain due to the absence of conclusive functional and genetic evidence.

Fulgent Genetics
Classification: Uncertain significance for Dilated cardiomyopathy 1W; Hypertrophic cardiomyopathy 15. Last evaluated: 2021-07-23. Review status: criteria provided, single submitter. Criteria: ACMG Guidelines, 2015. Collection method: clinical testing. Allele origin: unknown.

ARUP Laboratories, Molecular Genetics and Genomics, ARUP Laboratories
Classification: Uncertain significance. Last evaluated: 2017-07-07. Review status: criteria provided, single submitter. Criteria: ARUP Molecular Germline Variant Investigation Process. Collection method: clinical testing. Allele origin: germline.
Comment: The p.Thr643Met variant (rs150643310) has not been reported in the medical literature, is not listed in gene-specific variant databases, nor has it been previously identified in our laboratory. It is listed in the Genome Aggregation Database (gnomAD) browser with an overall frequency of 0.004% (identified in 12 out of 277,074 chromosomes). The threonine at codon 643 is highly conserved considering 13 species up to C. elegans (Alamut software v2.9), and computational analyses suggest this variant has a significant effect on VCL protein structure/function (SIFT: damaging, PolyPhen2: damaging, and Mutation Taster: disease causing). However, based on the available information, the clinical significance of the p.Thr643Met variant cannot be determined with certainty.

Lupski Lab, Baylor-Hopkins CMG, Baylor College of Medicine
Classification: Uncertain significance for Wolff-Parkinson-White pattern. Last evaluated: 2017-07-14. Review status: no assertion criteria provided. Collection method: research. Allele origin: unknown. Affected: yes. Observed: 1 variant allele. Study: Candidate_variants_in_patients_with_ Wolff-Parkinson-White Syndrome. Not counted in ClinVar's aggregate classification.